The following is an entry in ClinVar:

ClinVar aggregate classification (germline): Uncertain significance. Review status: criteria provided, multiple submitters, no conflicts (2 of 4 stars). 2 submissions from 2 submitters: Uncertain significance (2). Last evaluated 2025-06-04.

Submissions (2):

Labcorp Genetics (formerly Invitae), Labcorp
Classification: Uncertain significance. Last evaluated: 2025-06-04. Review status: criteria provided, single submitter. Criteria: Invitae Variant Classification Sherloc (09022015). Collection method: clinical testing. Allele origin: germline.
Comment: This variant, c.24_26del, results in the deletion of 1 amino acid(s) of the TMEM126A protein (p.Asn8del), but otherwise preserves the integrity of the reading frame. This variant is present in population databases (rs779189085, gnomAD 0.02%). This variant has not been reported in the literature in individuals affected with TMEM126A-related conditions. ClinVar contains an entry for this variant (Variation ID: 841685). Experimental studies and prediction algorithms are not available or were not evaluated, and the functional significance of this variant is currently unknown. In summary, the available evidence is currently insufficient to determine the role of this variant in disease. Therefore, it has been classified as a Variant of Uncertain Significance.

Blueprint Genetics
Classification: Uncertain significance. Last evaluated: 2023-11-14. Review status: criteria provided, single submitter. Criteria: ACMG Guidelines, 2015. Collection method: clinical testing. Allele origin: germline.

NM_032273.4(TMEM126A):c.21TAA[1] (p.Asn8del)

Gene: TMEM126A (transmembrane protein 126A; plus strand). Cytogenetic location: 11q14.1.
Variant type: Microsatellite.
Coding change: c.21TAA[1] on transcript NM_032273.4 (MANE Select); one copy of the 3-base unit TAA starting at c.21; the reference has two copies in a row; one copy, 3 bases deleted.
Protein change: p.Asn8del; deletes asparagine 8.
Molecular consequence: inframe deletion. On other transcripts: intron variant (1).
Genome position (GRCh38, 1-based): chr11:85,650,279-85,650,281, TAA deleted; deleting any 3 consecutive bases within chr11:85,650,274-85,650,281 gives the same sequence; the position shown is the placement nearest the transcript's 3' end. VCF-style (leftmost placement, unchanged base first): chr11-85650273-CAAT-C. GRCh37 (hg19) VCF-style: chr11-85361317-CAAT-C.
Other names: c.-125+2190_-125+2192del (NM_001244735.2); short protein forms N8del.
Identifiers: ClinVar variation 841685 (VCV000841685.8), dbSNP rs779189085, ClinGen allele CA6212654.